The following is an entry in ClinVar:

ClinVar aggregate classification (germline): Likely benign (1 of 4 stars; one submission).

Submission:

CeGaT Center for Human Genetics Tuebingen
Classification: Likely benign. Last evaluated: 2026-07-01. Review status: criteria provided, single submitter. Criteria: CeGaT Center For Human Genetics Tuebingen Variant Classification Criteria Version 2. Collection method: clinical testing. Allele origin: germline. Affected: yes. Observed: 1 variant allele.
Comment: MYBPC1: BP4

NM_002465.4(MYBPC1):c.2950-8del

Gene: MYBPC1 (myosin binding protein C1; plus strand). Cytogenetic location: 12q23.2.
Variant type: Deletion.
Coding change: c.2950-8del on transcript NM_002465.4 (MANE Select); 8 bases into the intron before coding-DNA position 2950, one base deleted (T; older notation c.2950-8delT).
Molecular consequence: intron variant.
Genome position (GRCh38, 1-based): chr12:101,677,227, T deleted; the last of 9 consecutive T bases (chr12:101,677,219-101,677,227); deleting any one gives the same sequence. VCF-style (leftmost placement, unchanged base first): chr12-101677218-AT-A. GRCh37 (hg19) VCF-style: chr12-102070996-AT-A.
Other names: c.2950-8del (NM_206819.4, NM_001404675.1); c.2929-8del (NM_001254718.3, NM_206820.4); c.2875-8del (NM_001254719.3, NM_206821.4); c.2818-8del (NM_001254721.3, NM_001404678.1, NM_001404676.1); c.2839-8del (NM_001254720.3); c.2836-8del (NM_001254723.3); c.2797-8del (NM_001254722.3, NM_001404680.1); c.2740-8del (NM_001404679.1, NM_001404681.1, NM_001404677.1).
Identifiers: ClinVar variation 5038624 (VCV005038624.1).
Genomic context (GRCh38, chr12:101,677,218, plus strand): 5'-TTTATCCCAATCTACAGTTAGAAAAATTGTATACTTTTAGGTGATTTTCCTCCAGTTATT[AT>A]TTTTTTTTCTTTTAGGAATGGTTTACTGTCATTGAGCATTATCATCGAACCAGTGCCACC-3'